The following is an entry in ClinVar:

ClinVar aggregate classification (germline): Uncertain significance. Review status: criteria provided, multiple submitters, no conflicts (2 of 4 stars). 4 submissions from 4 submitters: Uncertain significance (4). Last evaluated 2026-01-13.

Conditions:
TTN-related disorder. Also called: TTN-related condition; TTN-related disease; TTN-related disorders.
Autosomal recessive limb-girdle muscular dystrophy type 2J (LGMDR10). Also called: Limb-girdle muscular dystrophy, type 2J; MUSCULAR DYSTROPHY, LIMB-GIRDLE, AUTOSOMAL RECESSIVE 10. Identifiers: Orphanet 140922, MedGen C1837342, MONDO:0012127, OMIM 608807.
Dilated cardiomyopathy 1G (CMD1G). Identifiers: Orphanet 154, MedGen C1858763, MONDO:0011400, OMIM 604145.
Long QT syndrome (LQTS). Identifiers: MedGen C0023976, MeSH D008133, MONDO:0002442. Disease mechanism: loss of function. Inheritance: Various modes of inheritance.

Allele frequency attached by ClinVar (database versions not stated): gnomAD exomes below 0.00001; ExAC 0.00001; TOPMed 0.00002; gnomAD 0.00004.
gnomAD v4.1: 18 of 1,613,222 alleles (0.0011%); highest among the groups gnomAD compares: African/African-American, 0.0027%; no homozygotes.

Submissions (4):

PreventionGenetics, part of Exact Sciences
Classification: Uncertain significance for TTN-related condition. Last evaluated: 2026-01-13. Review status: criteria provided, single submitter. Criteria: ACMG Guidelines, 2015. Collection method: clinical testing. Allele origin: germline.
Comment: The TTN c.12845T>A variant is predicted to result in the amino acid substitution p.Ile4282Asn. To our knowledge, this variant has not been reported in the literature. This variant is reported in 0.0039% of alleles in individuals of European (Non-Finnish) descent in gnomAD. At this time, the clinical significance of this variant is uncertain due to the absence of conclusive functional and genetic evidence.

GeneDx
Classification: Uncertain significance. Last evaluated: 2023-12-06. Review status: criteria provided, single submitter. Criteria: GeneDx Variant Classification Process June 2021. Collection method: clinical testing. Allele origin: germline. Affected: yes.
Comment: Not observed at significant frequency in large population cohorts (gnomAD); Missense variant in a gene in which most reported pathogenic variants are truncating/loss-of-function; Has not been previously published as pathogenic or benign to our knowledge

Center for Advanced Laboratory Medicine, UC San Diego Health, University of California San Diego
Classification: Uncertain significance for Long QT Syndrome. Last evaluated: 2018-05-15. Review status: criteria provided, single submitter. Criteria: ACMG Guidelines, 2015. Collection method: clinical testing. Allele origin: germline. Affected: yes. Observed: 1 variant allele.

Labcorp Genetics (formerly Invitae), Labcorp
Classification: Uncertain significance for Dilated cardiomyopathy 1G; Autosomal recessive limb-girdle muscular dystrophy type 2J. Last evaluated: 2017-06-13. Review status: criteria provided, single submitter. Criteria: Invitae Variant Classification Sherloc (09022015). Collection method: clinical testing. Allele origin: germline.

NM_001267550.2(TTN):c.12845T>A (p.Ile4282Asn)

Gene: TTN (titin; minus strand). Cytogenetic location: 2q31.2.
Variant type: single nucleotide variant.
Coding change: c.12845T>A on transcript NM_001267550.2 (MANE Select); coding-DNA position 12845, T replaced by A.
Protein change: p.Ile4282Asn; replaces isoleucine 4282 with asparagine.
Molecular consequence: missense variant. On other transcripts: intron variant (1).
Genome position (GRCh38, 1-based): chr2:178,740,388, A>T on the plus strand (T>A on the coding strand, the complement: TTN is on the minus strand). VCF-style: chr2-178740388-A-T. GRCh37 (hg19) VCF-style: chr2-179605115-A-T.
Other names: c.12845T>A (NM_001267550.1); c.11894T>A, p.Ile3965Asn (NM_001256850.1); c.11756T>A, p.Ile3919Asn (NM_003319.4); c.12131T>A, p.Ile4044Asn (NM_133432.3); c.12332T>A, p.Ile4111Asn (NM_133437.4); c.10361-2028T>A (NM_133378.4); short protein forms I4282N, I3919N, I3965N, I4044N, I4111N.
Identifiers: ClinVar variation 466807 (VCV000466807.6), dbSNP rs747907234, ClinGen allele CA2002659.
Genomic context (GRCh38, chr2:178,740,388, plus strand): 5'-TTACCTCCTTCTGTGCATGAGTGTTCTGAAGGGACTAGGGGCTCATAGTTTACCTGAGAG[A>T]TCATGACATCAGGACTCTGGAGACTCTCCACGTGTCCCTCAGCTAAGCTCTGACTCAAGA-3'
Protein context (NP_001254479.2, residues 4272-4292): VESLQSPDVM[Ile4282Asn]SQVNYEPLVP